The following is an entry in ClinVar:

ClinVar aggregate classification (germline): Uncertain significance (1 of 4 stars; one submission).

gnomAD v4.1: 1 of 1,613,466 alleles (0.000062%); no homozygotes.

Submission:

Ambry Genetics
Classification: Uncertain significance. Last evaluated: 2024-08-09. Review status: criteria provided, single submitter. Criteria: Ambry Variant Classification Scheme 2023. Collection method: clinical testing. Allele origin: germline.
Comment: The p.S245N variant (also known as c.734G>A), located in coding exon 7 of the KIF1B gene, results from a G to A substitution at nucleotide position 734. The serine at codon 245 is replaced by asparagine, an amino acid with highly similar properties. This amino acid position is conserved. In addition, the in silico prediction for this alteration is inconclusive. Based on the available evidence, the clinical significance of this variant remains unclear.

NM_001365951.3(KIF1B):c.734G>A (p.Ser245Asn)

Gene: KIF1B (kinesin family member 1B; plus strand). Cytogenetic location: 1p36.22.
Variant type: single nucleotide variant.
Coding change: c.734G>A on transcript NM_001365951.3 (MANE Select); coding-DNA position 734, G replaced by A.
Protein change: p.Ser245Asn; replaces serine 245 with asparagine.
Molecular consequence: missense variant.
Genome position (GRCh38, 1-based): chr1:10,271,515, G>A. VCF-style: chr1-10271515-G-A. GRCh37 (hg19) VCF-style: chr1-10331573-G-A.
Other names: c.734G>A, p.Ser245Asn (NM_001365952.1, NM_001365953.1, NM_015074.3 and 1 more transcripts); short protein forms S245N.
Identifiers: ClinVar variation 3533968 (VCV003533968.1).
Genomic context (GRCh38, chr1:10,271,515, plus strand): 5'-TATCTTGCTTATTTTTGAATTGCCCCCATGTTATTGTTCTTTATCAGGTCAGTAAAATCA[G>A]CTTGGTGGATCTAGCAGGAAGTGAACGAGCTGATTCAACTGGTGCCAAAGGGACTCGATT-3'
Protein context (NP_001352880.1, residues 235-255): NLSTEKVSKI[Ser245Asn]LVDLAGSERA